The following is an entry in ClinVar:

NM_015404.4(WHRN):c.1154C>T (p.Ala385Val)

Gene: WHRN (whirlin; minus strand). Cytogenetic location: 9q32.
Variant type: single nucleotide variant.
Coding change: c.1154C>T on transcript NM_015404.4 (MANE Select); coding-DNA position 1154, C replaced by T.
Protein change: p.Ala385Val; replaces alanine 385 with valine.
Molecular consequence: missense variant.
Genome position (GRCh38, 1-based): chr9:114,426,223, G>A on the plus strand (C>T on the coding strand, the complement: WHRN is on the minus strand). VCF-style: chr9-114426223-G-A. GRCh37 (hg19) VCF-style: chr9-117188503-G-A.
Other names: c.5C>T, p.Ala2Val (NM_001083885.3); c.1154C>T, p.Ala385Val (NM_001173425.2); short protein forms A2V, A385V.
Identifiers: ClinVar variation 1384801 (VCV001384801.3), dbSNP rs766869083, ClinGen allele CA5206070.

ClinVar aggregate classification (germline): Uncertain significance (1 of 4 stars; one submission).

Allele frequency attached by ClinVar (database versions not stated): TOPMed 0.00001; gnomAD exomes 0.00002; gnomAD 0.00001; ExAC 0.00002.
gnomAD v4.1: 32 of 1,612,124 alleles (0.002%); highest among the groups gnomAD compares: South Asian, 0.0033%; no homozygotes.

Submission:

Labcorp Genetics (formerly Invitae), Labcorp
Classification: Uncertain significance. Last evaluated: 2022-07-12. Review status: criteria provided, single submitter. Criteria: Invitae Variant Classification Sherloc (09022015). Collection method: clinical testing. Allele origin: germline.
Comment: This sequence change replaces alanine, which is neutral and non-polar, with valine, which is neutral and non-polar, at codon 385 of the WHRN protein (p.Ala385Val). This variant is present in population databases (rs766869083, gnomAD 0.004%). This variant has not been reported in the literature in individuals affected with WHRN-related conditions. ClinVar contains an entry for this variant (Variation ID: 1384801). Algorithms developed to predict the effect of missense changes on protein structure and function output the following: SIFT: "Tolerated"; PolyPhen-2: "Benign"; Align-GVGD: "Class C0". The valine amino acid residue is found in multiple mammalian species, which suggests that this missense change does not adversely affect protein function. Algorithms developed to predict the effect of sequence changes on RNA splicing suggest that this variant may disrupt the consensus splice site. In summary, the available evidence is currently insufficient to determine the role of this variant in disease. Therefore, it has been classified as a Variant of Uncertain Significance.